The following is an entry in ClinVar:

NM_000038.6(APC):c.7273A>G (p.Ser2425Gly)

Gene: APC (APC regulator of Wnt signaling pathway; plus strand). Cytogenetic location: 5q22.2.
Variant type: single nucleotide variant.
Coding change: c.7273A>G on transcript NM_000038.6 (MANE Select); coding-DNA position 7273, A replaced by G.
Protein change: p.Ser2425Gly; replaces serine 2425 with glycine.
Molecular consequence: missense variant.
Genome position (GRCh38, 1-based): chr5:112,842,867, A>G. VCF-style: chr5-112842867-A-G. GRCh37 (hg19) VCF-style: chr5-112178564-A-G.
Other names: p.S2425G:AGT>GGT; c.7273A>G, p.Ser2425Gly (NM_001127510.3, NM_001354895.2); c.7219A>G, p.Ser2407Gly (NM_001127511.3); c.7327A>G, p.Ser2443Gly (NM_001354896.2); c.7303A>G, p.Ser2435Gly (NM_001354897.2); c.7198A>G, p.Ser2400Gly (NM_001354898.2); c.7189A>G, p.Ser2397Gly (NM_001354899.2); c.7150A>G, p.Ser2384Gly (NM_001354900.2); and 6 more; short protein forms S2407G, S2425G, S2299G, S2324G, S2334G, S2397G, S2435G, S2443G.
Identifiers: ClinVar variation 181820 (VCV000181820.20), dbSNP rs730881261, ClinGen allele CA012981.

ClinVar aggregate classification (germline): Uncertain significance. Review status: criteria provided, multiple submitters, no conflicts (2 of 4 stars). 6 submissions from 6 submitters: Uncertain significance (6). Last evaluated 2025-09-25.

Conditions:
Hereditary cancer-predisposing syndrome. Also called: Tumor predisposition; Neoplastic Syndromes, Hereditary; Hereditary Cancer Syndrome; Hereditary neoplastic syndrome. Identifiers: Orphanet 140162, MedGen C0027672, MeSH D009386, MONDO:0015356.
Desmoid disease, hereditary (DESMD). Also called: FIBROMATOSIS, FAMILIAL INFILTRATIVE. Identifiers: Orphanet 873, MedGen C1851124, OMIM 135290. Disease mechanism: loss of function.
Gastric adenocarcinoma and proximal polyposis of the stomach (GAPPS). Also called: Polyposis, gastric, Dos Santos and de Magalhaes 1980; Gastric Adenocarcinoma and Proximal Polyposis of the Stomach (GAPPS); POLYPOSIS, GASTRIC. Identifiers: Orphanet 314022, MedGen C4749917, MONDO:0017790, OMIM 619182.
Hepatocellular carcinoma (HCC). Also called: Primary carcinoma of liver; HEPATOMA; LIVER CELL CARCINOMA. Identifiers: Orphanet 88673, MedGen C2239176, MONDO:0007256, OMIM 114550, HP:0001402.
Gastric cancer. Also called: Stomach cancer; Malignant tumor of stomach. Identifiers: MedGen C0024623, MeSH D013274, MONDO:0001056, OMIM 613659, HP:0012126.
Colorectal cancer. Also called: Colorectal cancer, somatic; Malignant Colorectal Neoplasm. Identifiers: MedGen C0346629, MONDO:0005575, OMIM 114500.
Familial adenomatous polyposis 1 (FAP1). Also called: FAMILIAL ADENOMATOUS POLYPOSIS 1, ATTENUATED; POLYPOSIS, ADENOMATOUS INTESTINAL. Identifiers: MedGen C2713442, MONDO:0021056, OMIM 175100. Disease mechanism: loss of function.
Classic or attenuated familial adenomatous polyposis. Identifiers: MedGen CN372698, MONDO:0021057.

Submissions (6):

GeneDx
Classification: Uncertain significance. Last evaluated: 2025-09-25. Review status: criteria provided, single submitter. Criteria: GeneDx Variant Classification Process June 2021. Collection method: clinical testing. Allele origin: germline. Affected: yes.
Comment: Not observed at significant frequency in large population cohorts (gnomAD); In silico analysis suggests that this missense variant does not alter protein structure/function; Has not been previously published as pathogenic or benign to our knowledge

Fulgent Genetics
Classification: Uncertain significance for Colorectal cancer; Hepatocellular carcinoma; Desmoid disease, hereditary; Familial adenomatous polyposis 1; Gastric cancer; Gastric adenocarcinoma and proximal polyposis of the stomach. Last evaluated: 2024-06-21. Review status: criteria provided, single submitter. Criteria: ACMG Guidelines, 2015. Collection method: clinical testing. Allele origin: germline.

Ambry Genetics
Classification: Uncertain significance for Hereditary cancer-predisposing syndrome. Last evaluated: 2024-05-09. Review status: criteria provided, single submitter. Criteria: Ambry Variant Classification Scheme 2023. Collection method: clinical testing. Allele origin: germline.
Comment: The p.S2425G variant (also known as c.7273A>G), located in coding exon 15 of the APC gene, results from an A to G substitution at nucleotide position 7273. The serine at codon 2425 is replaced by glycine, an amino acid with similar properties. This amino acid position is conserved. In addition, in silico predictors for this gene do not accurately predict pathogenicity. Based on the available evidence, the clinical significance of this variant remains unclear.

Labcorp Genetics (formerly Invitae), Labcorp
Classification: Uncertain significance for Familial adenomatous polyposis 1. Last evaluated: 2024-03-18. Review status: criteria provided, single submitter. Criteria: Invitae Variant Classification Sherloc (09022015). Collection method: clinical testing. Allele origin: germline.
Comment: This sequence change replaces serine, which is neutral and polar, with glycine, which is neutral and non-polar, at codon 2425 of the APC protein (p.Ser2425Gly). This variant is not present in population databases (gnomAD no frequency). This variant has not been reported in the literature in individuals affected with APC-related conditions. ClinVar contains an entry for this variant (Variation ID: 181820). Advanced modeling of protein sequence and biophysical properties (such as structural, functional, and spatial information, amino acid conservation, physicochemical variation, residue mobility, and thermodynamic stability) performed at Invitae indicates that this missense variant is not expected to disrupt APC protein function with a negative predictive value of 95%. In summary, the available evidence is currently insufficient to determine the role of this variant in disease. Therefore, it has been classified as a Variant of Uncertain Significance.

All of Us Research Program, National Institutes of Health
Classification: Uncertain significance for Classic or attenuated familial adenomatous polyposis. Last evaluated: 2024-03-05. Review status: criteria provided, single submitter. Criteria: ACMG Guidelines, 2015. Collection method: clinical testing. Allele origin: germline. Inheritance: Autosomal dominant inheritance. Observed: 1 variant allele, 1 heterozygote.
Comment: This missense variant replaces serine with glycine at codon 2425 of the APC protein. Computational prediction suggests that this variant may not impact protein structure and function (internally defined REVEL score threshold <= 0.5, PMID: 27666373). Splice site prediction tools suggest that this variant may not impact RNA splicing. To our knowledge, functional studies have not been performed for this variant. This variant has not been reported in individuals affected with hereditary cancer in the literature. This variant has not been identified in the general population by the Genome Aggregation Database (gnomAD). The available evidence is insufficient to determine the role of this variant in disease conclusively. Therefore, this variant is classified as a Variant of Uncertain Significance.

This study involves interpretation of variants in research participants for the purpose of population health screening. Participant phenotype was not available at the time of variant classification. Additional details can be found in publication PMID: 35346344, PMCID: PMC8962531

Color Diagnostics, LLC DBA Color Health
Classification: Uncertain significance for Hereditary cancer-predisposing syndrome. Last evaluated: 2020-01-07. Review status: criteria provided, single submitter. Criteria: ACMG Guidelines, 2015. Collection method: clinical testing. Allele origin: germline.
Comment: This missense variant replaces serine with glycine at codon 2425 of the APC protein. Computational prediction suggests that this variant may not impact protein structure and function (internally defined REVEL score threshold <= 0.5, PMID: 27666373). Splice site prediction tools suggest that this variant may not impact RNA splicing. To our knowledge, functional studies have not been performed for this variant. This variant has not been reported in individuals affected with hereditary cancer in the literature. This variant has not been identified in the general population by the Genome Aggregation Database (gnomAD). The available evidence is insufficient to determine the role of this variant in disease conclusively. Therefore, this variant is classified as a Variant of Uncertain Significance.